The following is an entry in ClinVar:

ClinVar aggregate classification (germline): Uncertain significance (1 of 4 stars; one submission).

Conditions:
Malignant hyperthermia, susceptibility to, 5 (MHS5). Also called: CACNA1S-Related Malignant Hyperthermia Susceptibility. Identifiers: Orphanet 423, MedGen C1866077, MONDO:0011163, OMIM 601887.
Hypokalemic periodic paralysis, type 1. Also called: HypoPP; Hypokalemic Periodic Paralysis Type 1 (AD). Identifiers: Orphanet 681, MedGen C3714580, MONDO:0042979, OMIM 170400.

Allele frequency attached by ClinVar (database versions not stated): gnomAD exomes below 0.00001.
gnomAD v4.1: 5 of 1,614,106 alleles (0.00031%); highest among the groups gnomAD compares: Non-Finnish European, 0.00042%; no homozygotes.

Submission:

Labcorp Genetics (formerly Invitae), Labcorp
Classification: Uncertain significance for Hypokalemic periodic paralysis, type 1; Malignant hyperthermia, susceptibility to, 5. Last evaluated: 2023-03-24. Review status: criteria provided, single submitter. Criteria: Invitae Variant Classification Sherloc (09022015). Collection method: clinical testing. Allele origin: germline.
Comment: This sequence change replaces proline, which is neutral and non-polar, with leucine, which is neutral and non-polar, at codon 774 of the CACNA1S protein (p.Pro774Leu). This variant is present in population databases (no rsID available, gnomAD 0.0009%). In summary, the available evidence is currently insufficient to determine the role of this variant in disease. Therefore, it has been classified as a Variant of Uncertain Significance. Advanced modeling of protein sequence and biophysical properties (such as structural, functional, and spatial information, amino acid conservation, physicochemical variation, residue mobility, and thermodynamic stability) performed at Invitae indicates that this missense variant is not expected to disrupt CACNA1S protein function. This variant has not been reported in the literature in individuals affected with CACNA1S-related conditions.

NM_000069.3(CACNA1S):c.2321C>T (p.Pro774Leu)

Gene: CACNA1S (calcium voltage-gated channel subunit alpha1 S; minus strand). Cytogenetic location: 1q32.1.
Variant type: single nucleotide variant.
Coding change: c.2321C>T on transcript NM_000069.3 (MANE Select); coding-DNA position 2321, C replaced by T.
Protein change: p.Pro774Leu; replaces proline 774 with leucine.
Molecular consequence: missense variant.
Genome position (GRCh38, 1-based): chr1:201,070,311, G>A on the plus strand (C>T on the coding strand, the complement: CACNA1S is on the minus strand). VCF-style: chr1-201070311-G-A. GRCh37 (hg19) VCF-style: chr1-201039439-G-A.
Other names: short protein forms P774L.
Identifiers: ClinVar variation 2933024 (VCV002933024.3), dbSNP rs1204343983, ClinGen allele CA344108787.